The following is an entry in ClinVar:

NM_001085487.3(MYSM1):c.1885C>T (p.Gln629Ter)

Gene: MYSM1 (Myb like, SWIRM and MPN domains 1; minus strand). Cytogenetic location: 1p32.1.
Variant type: single nucleotide variant.
Coding change: c.1885C>T on transcript NM_001085487.3 (MANE Select); coding-DNA position 1885, C replaced by T.
Protein change: p.Gln629Ter; replaces glutamine 629 with a stop codon.
Molecular consequence: nonsense.
Genome position (GRCh38, 1-based): chr1:58,667,184, G>A on the plus strand (C>T on the coding strand, the complement: MYSM1 is on the minus strand). VCF-style: chr1-58667184-G-A. GRCh37 (hg19) VCF-style: chr1-59132856-G-A.
Other names: short protein forms Q629*.
Identifiers: ClinVar variation 1031070 (VCV001031070.5), dbSNP rs1644486654, ClinGen allele CA340519484.

ClinVar aggregate classification (germline): Pathogenic. Review status: criteria provided, multiple submitters, no conflicts (2 of 4 stars). 2 submissions from 2 submitters: Pathogenic (2). Last evaluated 2023-11-16.

Conditions:
Bone marrow failure syndrome 4. Identifiers: MedGen C4748257, MONDO:0020856, OMIM 618116.

Submissions (2):

Labcorp Genetics (formerly Invitae), Labcorp
Classification: Pathogenic. Last evaluated: 2023-11-16. Review status: criteria provided, single submitter. Criteria: Invitae Variant Classification Sherloc (09022015). Collection method: clinical testing. Allele origin: germline.
Comment: This sequence change creates a premature translational stop signal (p.Gln629*) in the MYSM1 gene. It is expected to result in an absent or disrupted protein product. Loss-of-function variants in MYSM1 are known to be pathogenic (PMID: 24288411, 28115216). This variant is not present in population databases (gnomAD no frequency). This variant has not been reported in the literature in individuals affected with MYSM1-related conditions. ClinVar contains an entry for this variant (Variation ID: 1031070). Algorithms developed to predict the effect of sequence changes on RNA splicing suggest that this variant may disrupt the consensus splice site. For these reasons, this variant has been classified as Pathogenic.

Baylor Genetics
Classification: Pathogenic for Bone marrow failure syndrome 4. Last evaluated: 2019-04-29. Review status: criteria provided, single submitter. Criteria: ACMG Guidelines, 2015. Collection method: clinical testing. Allele origin: paternal. Affected: yes.
Comment: This variant was determined to be pathogenic according to ACMG Guidelines, 2015 [PMID:25741868].

Literature cited by the submitters: PubMed 24288411 (cited by Labcorp Genetics (formerly Invitae), Labcorp); PubMed 28115216 (cited by Labcorp Genetics (formerly Invitae), Labcorp).